The following is an entry in ClinVar:

ClinVar aggregate classification (germline): Likely benign. Review status: criteria provided, single submitter (1 of 4 stars). 2 submissions from 2 submitters: Likely benign (1). 1 of the submissions does not count toward it. Last evaluated 2022-03-23.

Conditions:
Wolman disease (WOLD). Also called: Acid cholesteryl ester hydrolase deficiency, Wolman type; Acid lipase disease; Wolman disease with hypolipoproteinemia and acanthocytosis; Wolman disease, CESD; Infantile-Onset LAL-D (Wolman Disease); LYSOSOMAL ACID LIPASE DEFICIENCY, ACUTE INFANTILE. Identifiers: Orphanet 75233, MedGen C0043208, MONDO:0019148, OMIM 620151.
LIPA-related disorder. Also called: LIPA-related disorders; LIPA-related condition.

Submissions (2):

Labcorp Genetics (formerly Invitae), Labcorp
Classification: Likely benign for Wolman disease. Last evaluated: 2022-03-23. Review status: criteria provided, single submitter. Criteria: Invitae Variant Classification Sherloc (09022015). Collection method: clinical testing. Allele origin: germline.

PreventionGenetics, part of Exact Sciences
Classification: Likely benign for LIPA-related condition. Last evaluated: 2022-05-25. Review status: no assertion criteria provided. Collection method: clinical testing. Allele origin: germline. Not counted in ClinVar's aggregate classification.
Comment: This variant is classified as likely benign based on ACMG/AMP sequence variant interpretation guidelines (Richards et al. 2015 PMID: 25741868, with internal and published modifications).

NM_000235.4(LIPA):c.48C>T (p.Thr16=)

Gene: LIPA (lipase A, lysosomal acid type; minus strand). Cytogenetic location: 10q23.31.
Variant type: single nucleotide variant.
Coding change: c.48C>T on transcript NM_000235.4 (MANE Select); coding-DNA position 48, C replaced by T.
Protein change: p.Thr16=; no amino-acid change (threonine 16 retained).
Molecular consequence: synonymous variant. On other transcripts: intron variant (1).
Genome position (GRCh38, 1-based): chr10:89,247,601, G>A on the plus strand (C>T on the coding strand, the complement: LIPA is on the minus strand). VCF-style: chr10-89247601-G-A. GRCh37 (hg19) VCF-style: chr10-91007358-G-A.
Other names: c.48C>T, p.Thr16= (NM_001127605.3); c.-120+4136C>T (NM_001288979.2); c.48C>T (NM_000235.3).
Identifiers: ClinVar variation 1988070 (VCV001988070.6), dbSNP rs2495648602, ClinGen allele CA470737440.